The following is an entry in ClinVar:

ClinVar aggregate classification (germline): Uncertain significance (1 of 4 stars; one submission).

Submission:

GeneDx
Classification: Uncertain significance. Last evaluated: 2024-09-04. Review status: criteria provided, single submitter. Criteria: GeneDx Variant Classification Process June 2021. Collection method: clinical testing. Allele origin: germline. Affected: yes.
Comment: Reported in association with Noonan syndrome in published literature, however, detailed information was not provided (PMID: 22551697, 21387466); Not observed at significant frequency in large population cohorts (gnomAD); Missense variants in this gene are often considered pathogenic (HGMD); In silico analysis indicates that this missense variant does not alter protein structure/function; This variant is associated with the following publications: (PMID: 29493581, 21387466, 22551697, 20648242, 17143282, 12628188)

NM_005633.4(SOS1):c.1264A>G (p.Met422Val)

Gene: SOS1 (SOS Ras/Rac guanine nucleotide exchange factor 1; minus strand). Cytogenetic location: 2p22.1.
Variant type: single nucleotide variant.
Coding change: c.1264A>G on transcript NM_005633.4 (MANE Select); coding-DNA position 1264, A replaced by G.
Protein change: p.Met422Val; replaces methionine 422 with valine.
Molecular consequence: missense variant.
Genome position (GRCh38, 1-based): chr2:39,023,164, T>C on the plus strand (A>G on the coding strand, the complement: SOS1 is on the minus strand). VCF-style: chr2-39023164-T-C. GRCh37 (hg19) VCF-style: chr2-39250305-T-C.
Other names: c.1243A>G, p.Met415Val (NM_001382394.1); c.1264A>G, p.Met422Val (NM_001382395.1); short protein forms M415V, M422V.
Identifiers: ClinVar variation 1878858 (VCV001878858.2), dbSNP rs2529038063, ClinGen allele CA346366573.